The following is an entry in ClinVar:

ClinVar aggregate classification (germline): Uncertain significance. Review status: criteria provided, single submitter (1 of 4 stars). 2 submissions from 2 submitters: Uncertain significance (1). 1 of the submissions does not count toward it. Last evaluated 2025-04-21.

Conditions:
KIF23-related disorder. Also called: KIF23-related condition.

Allele frequency attached by ClinVar (database versions not stated): gnomAD exomes 0.00004; ExAC 0.00005; TOPMed 0.00005; gnomAD 0.00006.

Submissions (2):

Labcorp Genetics (formerly Invitae), Labcorp
Classification: Uncertain significance. Last evaluated: 2025-04-21. Review status: criteria provided, single submitter. Criteria: Invitae Variant Classification Sherloc (09022015). Collection method: clinical testing. Allele origin: germline.
Comment: This sequence change replaces glycine, which is neutral and non-polar, with arginine, which is basic and polar, at codon 129 of the KIF23 protein (p.Gly129Arg). This variant is present in population databases (rs767117625, gnomAD 0.03%). This variant has not been reported in the literature in individuals affected with KIF23-related conditions. ClinVar contains an entry for this variant (Variation ID: 2083906). Invitae Evidence Modeling of protein sequence and biophysical properties (such as structural, functional, and spatial information, amino acid conservation, physicochemical variation, residue mobility, and thermodynamic stability) indicates that this missense variant is not expected to disrupt KIF23 protein function with a negative predictive value of 80%. In summary, the available evidence is currently insufficient to determine the role of this variant in disease. Therefore, it has been classified as a Variant of Uncertain Significance.

PreventionGenetics, part of Exact Sciences
Classification: Likely benign for KIF23-related condition. Last evaluated: 2024-03-11. Review status: no assertion criteria provided. Collection method: clinical testing. Allele origin: germline. Not counted in ClinVar's aggregate classification.
Comment: This variant is classified as likely benign based on ACMG/AMP sequence variant interpretation guidelines (Richards et al. 2015 PMID: 25741868, with internal and published modifications).

NM_001367805.3(KIF23):c.385G>A (p.Gly129Arg)

Gene: KIF23 (kinesin family member 23; plus strand). Cytogenetic location: 15q23.
Variant type: single nucleotide variant.
Coding change: c.385G>A on transcript NM_001367805.3 (MANE Select); coding-DNA position 385, G replaced by A.
Protein change: p.Gly129Arg; replaces glycine 129 with arginine.
Molecular consequence: missense variant. On other transcripts: non-coding transcript variant (2), intron variant (1).
Genome position (GRCh38, 1-based): chr15:69,422,060, G>A. VCF-style: chr15-69422060-G-A. GRCh37 (hg19) VCF-style: chr15-69714399-G-A.
Other names: c.385G>A, p.Gly129Arg (NM_001367804.2, NM_004856.7, NM_138555.4); c.124-266G>A (NM_001281301.2); c.385G>A (NM_138555.3); short protein forms G129R.
Identifiers: ClinVar variation 2083906 (VCV002083906.5), dbSNP rs767117625, ClinGen allele CA7634890.